The following is an entry in ClinVar:

ClinVar aggregate classification (germline): Uncertain significance (1 of 4 stars; one submission).

Conditions:
Generalized epilepsy-paroxysmal dyskinesia syndrome (PNKD3). Also called: Generalized epilepsy and paroxysmal dyskinesia; Paroxysmal nonkinesigenic dyskinesia, 3, with or without generalized epilepsy. Identifiers: Orphanet 79137, MedGen C5574945, MONDO:0012276, OMIM 609446.

Submission:

Labcorp Genetics (formerly Invitae), Labcorp
Classification: Uncertain significance for Generalized epilepsy-paroxysmal dyskinesia syndrome. Last evaluated: 2021-08-24. Review status: criteria provided, single submitter. Criteria: Invitae Variant Classification Sherloc (09022015). Collection method: clinical testing. Allele origin: germline.
Comment: In summary, the available evidence is currently insufficient to determine the role of this variant in disease. Therefore, it has been classified as a Variant of Uncertain Significance. Algorithms developed to predict the effect of missense changes on protein structure and function are either unavailable or do not agree on the potential impact of this missense change (SIFT: "Deleterious"; PolyPhen-2: "Probably Damaging"; Align-GVGD: "Class C0"). This variant has not been reported in the literature in individuals affected with KCNMA1-related conditions. This variant is not present in population databases (ExAC no frequency). This sequence change replaces arginine with serine at codon 85 of the KCNMA1 protein (p.Arg85Ser). The arginine residue is moderately conserved and there is a moderate physicochemical difference between arginine and serine.

NM_001161352.2(KCNMA1):c.253C>A (p.Arg85Ser)

Gene: KCNMA1 (potassium calcium-activated channel subfamily M alpha 1; minus strand). Cytogenetic location: 10q22.3.
Variant type: single nucleotide variant.
Coding change: c.253C>A on transcript NM_001161352.2 (MANE Select); coding-DNA position 253, C replaced by A.
Protein change: p.Arg85Ser; replaces arginine 85 with serine.
Molecular consequence: missense variant.
Genome position (GRCh38, 1-based): chr10:77,637,390, G>T on the plus strand (C>A on the coding strand, the complement: KCNMA1 is on the minus strand). VCF-style: chr10-77637390-G-T. GRCh37 (hg19) VCF-style: chr10-79397148-G-T.
Other names: c.253C>A, p.Arg85Ser (NM_001014797.3, NM_001161353.2, NM_001271518.2 and 12 more transcripts); short protein forms R85S.
Identifiers: ClinVar variation 1413157 (VCV001413157.6), dbSNP rs2154572127, ClinGen allele CA377412444.